The following is an entry in ClinVar:

NM_172107.4(KCNQ2):c.1469G>A (p.Ser490Asn)

Gene: KCNQ2 (potassium voltage-gated channel subfamily Q member 2; minus strand). Cytogenetic location: 20q13.33.
Variant type: single nucleotide variant.
Coding change: c.1469G>A on transcript NM_172107.4 (MANE Select); coding-DNA position 1469, G replaced by A.
Protein change: p.Ser490Asn; replaces serine 490 with asparagine.
Molecular consequence: missense variant.
Genome position (GRCh38, 1-based): chr20:63,414,959, C>T on the plus strand (G>A on the coding strand, the complement: KCNQ2 is on the minus strand). VCF-style: chr20-63414959-C-T. GRCh37 (hg19) VCF-style: chr20-62046312-C-T.
Other names: c.1415G>A, p.Ser472Asn (NM_001382235.1, NM_172106.3); c.1385G>A, p.Ser462Asn (NM_004518.6); c.1379G>A, p.Ser460Asn (NM_172108.5); short protein forms S460N, S462N, S472N, S490N.
Identifiers: ClinVar variation 4056880 (VCV004056880.1).
Genomic context (GRCh38, chr20:63,414,959, plus strand): 5'-CCACCTTCTGAGTTCTGCCGTGACGCGGCACCCTTGATGCGGAAAGCCTGGCGTGCCCGG[C>T]TGCGGTCCCCGAAGCTCCAGCTCTTGGGCACCTTGCTGGGGCTGTCCTCGAGGCTCTGGT-3'
Protein context (NP_742105.1, residues 480-500): VPKSWSFGDR[Ser490Asn]RARQAFRIKG

ClinVar aggregate classification (germline): Uncertain significance (1 of 4 stars; one submission).

Submission:

GeneDx
Classification: Uncertain significance. Last evaluated: 2025-01-08. Review status: criteria provided, single submitter. Criteria: GeneDx Variant Classification Process June 2021. Collection method: clinical testing. Allele origin: germline. Affected: yes.
Comment: Not observed at significant frequency in large population cohorts (gnomAD); In silico analysis indicates that this missense variant does not alter protein structure/function; Has not been previously published as pathogenic or benign to our knowledge; This substitution is predicted to be within the C-terminal cytoplasmic domain